The following is an entry in ClinVar:

ClinVar aggregate classification (germline): Pathogenic/Likely pathogenic. Review status: criteria provided, multiple submitters, no conflicts (2 of 4 stars). 6 submissions from 6 submitters: Pathogenic (5); Likely pathogenic (1). Last evaluated 2025-04-03.

Conditions:
Pheochromocytoma/paraganglioma syndrome 5. Also called: SDHA-Related Hereditary Paraganglioma-Pheochromocytoma Syndrome; Paragangliomas 5. Identifiers: Orphanet 29072, MedGen C3279992, MONDO:0013602, OMIM 614165.
Mitochondrial complex II deficiency, nuclear type 1. Also called: SUCCINATE CoQ REDUCTASE DEFICIENCY. Identifiers: Orphanet 3208, MedGen C5700310, MONDO:0100294, OMIM 252011.
Hereditary cancer-predisposing syndrome. Also called: Hereditary Cancer Syndrome; Tumor predisposition; Hereditary neoplastic syndrome; Neoplastic Syndromes, Hereditary. Identifiers: Orphanet 140162, MedGen C0027672, MeSH D009386, MONDO:0015356.

Allele frequency attached by ClinVar (database versions not stated): gnomAD 0.00001.

Submissions (6):

Department of Human Genetics, Hannover Medical School
Classification: Likely pathogenic for Pheochromocytoma/paraganglioma syndrome 5. Last evaluated: 2025-04-03. Review status: criteria provided, single submitter. Criteria: ACMG Guidelines, 2015. Collection method: clinical testing. Allele origin: germline. Affected: yes.
Comment: ACMG: PVS1, PM2_Supporting

Ambry Genetics
Classification: Pathogenic for Hereditary cancer-predisposing syndrome. Last evaluated: 2023-10-19. Review status: criteria provided, single submitter. Criteria: Ambry Variant Classification Scheme 2023. Collection method: clinical testing. Allele origin: germline.
Comment: The c.1338delA pathogenic mutation, located in coding exon 10 of the SDHA gene, results from a deletion of one nucleotide at nucleotide position 1338, causing a translational frameshift with a predicted alternate stop codon (p.H447Mfs*23). This alteration has been reported in individuals with a personal history of paraganglioma and/or pheochromocytoma (Rattenberry E et al. J Clin Endocrinol Metab, 2013 Jul;98:E1248-56; Tufton N et al. Endocr Relat Cancer, 2017 Jul;24:L43-L49; Gieldon L et al. Cancers (Basel), 2019 Jun;11:). This variant is considered to be rare based on population cohorts in the Genome Aggregation Database (gnomAD). This alteration is expected to result in loss of function by premature protein truncation or nonsense-mediated mRNA decay. As such, this alteration is interpreted as a disease-causing mutation.

Labcorp Genetics (formerly Invitae), Labcorp
Classification: Pathogenic for Pheochromocytoma/paraganglioma syndrome 5; Mitochondrial complex II deficiency, nuclear type 1. Last evaluated: 2023-08-16. Review status: criteria provided, single submitter. Criteria: Invitae Variant Classification Sherloc (09022015). Collection method: clinical testing. Allele origin: germline.
Comment: For these reasons, this variant has been classified as Pathogenic. ClinVar contains an entry for this variant (Variation ID: 872808). This premature translational stop signal has been observed in individual(s) with clinical features of paraganglioma-pheochromocytoma syndromes (PMID: 23666964, 28500238, 28546994). This variant is not present in population databases (gnomAD no frequency). This sequence change creates a premature translational stop signal (p.His447Metfs*23) in the SDHA gene. It is expected to result in an absent or disrupted protein product. Loss-of-function variants in SDHA are known to be pathogenic (PMID: 22974104, 24781757).

Myriad Genetics, Inc.
Classification: Pathogenic for Pheochromocytoma/paraganglioma syndrome 5. Last evaluated: 2023-05-09. Review status: criteria provided, single submitter. Criteria: Myriad Autosomal Dominant, Autosomal Recessive and X-Linked Classification Criteria (2023). Collection method: clinical testing. Allele origin: unknown.
Comment: This variant is considered pathogenic. This variant creates a frameshift predicted to result in premature protein truncation.

Institute for Clinical Genetics, University Hospital TU Dresden, University Hospital TU Dresden
Classification: Pathogenic. Last evaluated: 2021-11-03. Review status: criteria provided, single submitter. Criteria: ACMG Guidelines, 2015. Collection method: clinical testing. Allele origin: germline.

CeGaT Center for Human Genetics Tuebingen
Classification: Pathogenic. Last evaluated: 2018-06-01. Review status: criteria provided, single submitter. Criteria: CeGaT Center For Human Genetics Tuebingen Variant Classification Criteria Version 2. Collection method: clinical testing. Allele origin: germline. Affected: yes. Observed: 1 variant allele.

Literature cited by the submitters: PubMed 23666964 (cited by Ambry Genetics and Labcorp Genetics (formerly Invitae), Labcorp); PubMed 28500238 (cited by Ambry Genetics and Labcorp Genetics (formerly Invitae), Labcorp); PubMed 31212687 (cited by Ambry Genetics); PubMed 28546994 (cited by Labcorp Genetics (formerly Invitae), Labcorp); PubMed 22974104 (cited by Labcorp Genetics (formerly Invitae), Labcorp); PubMed 24781757 (cited by Labcorp Genetics (formerly Invitae), Labcorp).

NM_004168.4(SDHA):c.1338del (p.His447fs)

Gene: SDHA (succinate dehydrogenase complex flavoprotein subunit A; plus strand). Cytogenetic location: 5p15.33.
Variant type: Deletion.
Coding change: c.1338del on transcript NM_004168.4 (MANE Select); coding-DNA position 1338, one base deleted (A; older notation c.1338delA).
Protein change: p.His447fs; shifts the reading frame from histidine 447.
Molecular consequence: frameshift variant.
Genome position (GRCh38, 1-based): chr5:236,505, A deleted. VCF-style (leftmost placement, unchanged base first): chr5-236504-TA-T. GRCh37 (hg19) VCF-style: chr5-236619-TA-T.
Other names: c.1194del, p.His399fs (NM_001294332.2); c.1338del, p.His447fs (NM_001330758.2); c.1338delA (NM_004168.2); short protein forms H399fs, H447fs.
Identifiers: ClinVar variation 872808 (VCV000872808.50), dbSNP rs1735791499, ClinGen allele CA1072376063.